The following is an entry in ClinVar:

ClinVar aggregate classification (germline): Likely pathogenic. Review status: criteria provided, single submitter (1 of 4 stars). 2 submissions from 2 submitters: Likely pathogenic (1). 1 of the submissions does not count toward it. Last evaluated 2025-04-23.

Conditions:
IFT74-related disorder. Also called: IFT74-Related Disorders; IFT74-related condition.

Allele frequency attached by ClinVar (database versions not stated): ExAC 0.00002; TOPMed 0.00002; gnomAD 0.00003; 1000 Genomes Project 30x 0.00016; 1000 Genomes Project 0.00020.
gnomAD v4.1: 90 of 1,612,262 alleles (0.0056%); highest among the groups gnomAD compares: Non-Finnish European, 0.0071%; no homozygotes.

Submissions (3):

Labcorp Genetics (formerly Invitae), Labcorp
Classification: Likely pathogenic. Last evaluated: 2025-04-23. Review status: criteria provided, single submitter. Criteria: Invitae Variant Classification Sherloc (09022015). Collection method: clinical testing. Allele origin: germline.
Comment: This sequence change affects a donor splice site in intron 3 of the IFT74 gene. It is expected to disrupt RNA splicing. Variants that disrupt the donor or acceptor splice site typically lead to a loss of protein function (PMID: 16199547), and loss-of-function variants in IFT74 are known to be pathogenic (PMID: 33531668). This variant is present in population databases (rs201953338, gnomAD 0.004%). This variant has not been reported in the literature in individuals affected with IFT74-related conditions. ClinVar contains an entry for this variant (Variation ID: 2414213). Algorithms developed to predict the effect of sequence changes on RNA splicing suggest that this variant may disrupt the consensus splice site. In summary, the currently available evidence indicates that the variant is pathogenic, but additional data are needed to prove that conclusively. Therefore, this variant has been classified as Likely Pathogenic.

PreventionGenetics, part of Exact Sciences
Classification: Likely pathogenic for IFT74-related condition. Last evaluated: 2024-05-02. Review status: no assertion criteria provided. Collection method: clinical testing. Allele origin: germline. Not counted in ClinVar's aggregate classification.
Comment: The IFT74 c.256+1G>C variant is predicted to disrupt the GT donor site and interfere with normal splicing. To our knowledge, this variant has not been reported in the literature. This variant is reported in 0.0041% of alleles in individuals of African descent in gnomAD. Variants that disrupt the consensus splice donor site in IFT74 are expected to be pathogenic. This variant is interpreted as likely pathogenic.

Dr. Peter K. Rogan Lab, Western University
No classification provided (evidence only). Condition: Acute myeloid leukemia. Review status: no classification provided. Collection method: in vitro. Allele origin: not applicable. Functional consequence: retained intron. Not counted in ClinVar's aggregate classification.

Literature cited by the submitters: PubMed 16199547 (cited by Labcorp Genetics (formerly Invitae), Labcorp); PubMed 33531668 (cited by Labcorp Genetics (formerly Invitae), Labcorp).

NM_025103.4(IFT74):c.256+1G>C

Gene: IFT74 (intraflagellar transport 74; plus strand). Cytogenetic location: 9p21.2.
Variant type: single nucleotide variant.
Coding change: c.256+1G>C on transcript NM_025103.4 (MANE Select); the canonical splice donor site of the intron after coding-DNA position 256, G replaced by C.
Molecular consequence: splice donor variant.
Genome position (GRCh38, 1-based): chr9:26,978,264, G>C. VCF-style: chr9-26978264-G-C. GRCh37 (hg19) VCF-style: chr9-26978262-G-C.
Other names: c.256+1G>C (NM_001099223.3, NM_001099222.3, NM_001349928.2 and 2 more transcripts).
Identifiers: ClinVar variation 2414213 (VCV002414213.10), dbSNP rs201953338, ClinGen allele CA5014862.